The following is an entry in ClinVar:

ClinVar aggregate classification (germline): Conflicting classifications of pathogenicity. Review status: criteria provided, conflicting classifications (1 of 4 stars). 11 submissions from 10 submitters: Uncertain significance (1); Benign (2); Likely benign (7). 1 of the submissions does not count toward it. Last evaluated 2026-01-29.

Conditions:
RAB3GAP2-related disorder. Also called: RAB3GAP2-related condition; RAB3GAP2-related disorders.
Warburg micro syndrome 2 (WARBM2). Also called: MICRO SYNDROME 2. Identifiers: Orphanet 2510, MedGen C3280214, MONDO:0013641, OMIM 614225.
Martsolf syndrome (MARTS). Also called: Congenital cataract with intellectual disability and hypogonadotropic hypogonadism syndrome. Identifiers: Orphanet 1387, MedGen C0796037, MONDO:0023910.

Allele frequency attached by ClinVar (database versions not stated): gnomAD exomes 0.00037 and 0.00079; ExAC 0.00072; ESP Exome Variant Server 0.00146; gnomAD 0.00166 and 0.00174; TOPMed 0.00172; 1000 Genomes Project 0.00300; 1000 Genomes Project 30x 0.00328.
gnomAD v4.1: 852 of 1,614,184 alleles (0.053%); highest among the groups gnomAD compares: African/African-American, 0.51%; 2 homozygotes.

Submissions (11):

Labcorp Genetics (formerly Invitae), Labcorp
Classification: Likely benign for Martsolf syndrome; Warburg micro syndrome 2. Last evaluated: 2026-01-29. Review status: criteria provided, single submitter. Criteria: Invitae Variant Classification Sherloc (09022015). Collection method: clinical testing. Allele origin: germline.

Mayo Clinic Laboratories, Mayo Clinic
Classification: Likely benign. Last evaluated: 2025-06-24. Review status: criteria provided, single submitter. Criteria: ACMG Guidelines, 2015. Collection method: clinical testing. Allele origin: germline. Observed: 2 variant alleles.
Comment: BS1, BP4_moderate

Blueprint Genetics
Classification: Benign. Last evaluated: 2024-10-28. Review status: criteria provided, single submitter. Criteria: ACMG Guidelines, 2015. Collection method: clinical testing. Allele origin: germline.

CeGaT Center for Human Genetics Tuebingen
Classification: Likely benign. Last evaluated: 2022-05-01. Review status: criteria provided, single submitter. Criteria: CeGaT Center For Human Genetics Tuebingen Variant Classification Criteria Version 2. Collection method: clinical testing. Allele origin: germline. Affected: yes. Observed: 1 variant allele.
Comment: RAB3GAP2: BP4

GeneDx
Classification: Likely benign. Last evaluated: 2021-06-08. Review status: criteria provided, single submitter. Criteria: GeneDx Variant Classification Process June 2021. Collection method: clinical testing. Allele origin: germline. Affected: yes.

Illumina Laboratory Services, Illumina
Classification: Likely benign for Martsolf syndrome 1. Last evaluated: 2018-01-12. Review status: criteria provided, single submitter. Criteria: ICSL Variant Classification Criteria 13 December 2019. Collection method: clinical testing. Allele origin: germline.
Comment: This variant was observed in the ICSL laboratory as part of a predisposition screen in an ostensibly healthy population. It had not been previously curated by ICSL or reported in the Human Gene Mutation Database (HGMD: prior to June 1st, 2018), and was therefore a candidate for classification through an automated scoring system. Utilizing variant allele frequency, disease prevalence and penetrance estimates, and inheritance mode, an automated score was calculated to assess if this variant is too frequent to cause the disease. Based on the score and internal cut-off values, a variant classified as likely benign is not then subjected to further curation. The score for this variant resulted in a classification of likely benign for this disease.

Illumina Laboratory Services, Illumina
Classification: Likely benign for Warburg micro syndrome 2. Last evaluated: 2018-01-12. Review status: criteria provided, single submitter. Criteria: ICSL Variant Classification Criteria 13 December 2019. Collection method: clinical testing. Allele origin: germline.
Comment: the same text as in the submission from Illumina Laboratory Services, Illumina above.

Eurofins Ntd Llc (ga)
Classification: Likely benign. Last evaluated: 2016-02-17. Review status: criteria provided, single submitter. Criteria: EGL Classification Definitions 2015. Collection method: clinical testing. Allele origin: germline. Observed: 1 variant allele, 1 heterozygote.

Genomic Diagnostic Laboratory, Division of Genomic Diagnostics, Children's Hospital of Philadelphia
Classification: Benign. Last evaluated: 2015-11-04. Review status: criteria provided, single submitter. Criteria: DGD Variant Analysis Guidelines. Collection method: clinical testing. Allele origin: unknown.

Genetic Services Laboratory, University of Chicago
Classification: Uncertain significance. Last evaluated: 2014-12-22. Review status: criteria provided, single submitter. Criteria: ACMG Guidelines, 2015. Collection method: clinical testing. Allele origin: germline.

PreventionGenetics, part of Exact Sciences
Classification: Likely benign for RAB3GAP2-related condition. Last evaluated: 2021-02-22. Review status: no assertion criteria provided. Collection method: clinical testing. Allele origin: germline. Not counted in ClinVar's aggregate classification.
Comment: This variant is classified as likely benign based on ACMG/AMP sequence variant interpretation guidelines (Richards et al. 2015 PMID: 25741868, with internal and published modifications).

NM_012414.4(RAB3GAP2):c.4060A>G (p.Ile1354Val)

Gene: RAB3GAP2 (RAB3 GTPase activating non-catalytic protein subunit 2; minus strand). Cytogenetic location: 1q41.
Variant type: single nucleotide variant.
Coding change: c.4060A>G on transcript NM_012414.4 (MANE Select); coding-DNA position 4060, A replaced by G.
Protein change: p.Ile1354Val; replaces isoleucine 1354 with valine.
Molecular consequence: missense variant.
Genome position (GRCh38, 1-based): chr1:220,151,373, T>C on the plus strand (A>G on the coding strand, the complement: RAB3GAP2 is on the minus strand). VCF-style: chr1-220151373-T-C. GRCh37 (hg19) VCF-style: chr1-220324715-T-C.
Other names: p.Ile1354Val; short protein forms I1354V.
Identifiers: ClinVar variation 211989 (VCV000211989.61), dbSNP rs59190330, ClinGen allele CA206092.